The following is an entry in ClinVar:

ClinVar aggregate classification (germline): Uncertain significance (1 of 4 stars; one submission).

Conditions:
Charcot-Marie-Tooth disease type 4. Also called: Charcot-Marie-Tooth disease, type IV; Charcot-Marie-Tooth, Type 4. Identifiers: Orphanet 64749, MedGen C4082197, MONDO:0018995.

Allele frequency attached by ClinVar (database versions not stated): ExAC 0.00002; gnomAD exomes 0.00001.
gnomAD v4.1: 7 of 1,614,146 alleles (0.00043%); highest among the groups gnomAD compares: South Asian, 0.0077%; no homozygotes.

Submission:

Labcorp Genetics (formerly Invitae), Labcorp
Classification: Uncertain significance for Charcot-Marie-Tooth disease type 4. Last evaluated: 2021-06-24. Review status: criteria provided, single submitter. Criteria: Invitae Variant Classification Sherloc (09022015). Collection method: clinical testing. Allele origin: germline.
Comment: Algorithms developed to predict the effect of missense changes on protein structure and function are either unavailable or do not agree on the potential impact of this missense change (SIFT: "Deleterious"; PolyPhen-2: "Benign"; Align-GVGD: "Class C0"). In summary, the available evidence is currently insufficient to determine the role of this variant in disease. Therefore, it has been classified as a Variant of Uncertain Significance. This variant has not been reported in the literature in individuals with SBF2-related conditions. This variant is present in population databases (rs769777008, ExAC 0.01%). This sequence change replaces arginine with glycine at codon 1189 of the SBF2 protein (p.Arg1189Gly). The arginine residue is weakly conserved and there is a moderate physicochemical difference between arginine and glycine.

NM_030962.4(SBF2):c.3565A>G (p.Arg1189Gly)

Gene: SBF2 (SET binding factor 2; minus strand). Cytogenetic location: 11p15.4.
Variant type: single nucleotide variant.
Coding change: c.3565A>G on transcript NM_030962.4 (MANE Select); coding-DNA position 3565, A replaced by G.
Protein change: p.Arg1189Gly; replaces arginine 1189 with glycine.
Molecular consequence: missense variant.
Genome position (GRCh38, 1-based): chr11:9,832,311, T>C on the plus strand (A>G on the coding strand, the complement: SBF2 is on the minus strand). VCF-style: chr11-9832311-T-C. GRCh37 (hg19) VCF-style: chr11-9853858-T-C.
Other names: c.3565A>G, p.Arg1189Gly (NM_001386339.1); c.3436A>G, p.Arg1146Gly (NM_001386342.1); short protein forms R1146G, R1189G.
Identifiers: ClinVar variation 1363917 (VCV001363917.6), dbSNP rs769777008, ClinGen allele CA5881233.
Genomic context (GRCh38, chr11:9,832,311, plus strand): 5'-AAAGACCAACGACTCCCTTCCCATGGAATCCTCCAGATCGGAGGAGCAGAGTACCACTTC[T>C]TGAGTTCTTCCAACATACAACAGGCAGGCGATTGTGTCGATAGCAGCGAGCTACTCTTGG-3'
Protein context (NP_112224.1, residues 1179-1199): RLPVVCWKNS[Arg1189Gly]SGTLLLRSGG